The following is an entry in ClinVar:

ClinVar aggregate classification (germline): Uncertain significance (1 of 4 stars; one submission).

Conditions:
Cardiovascular phenotype. Identifiers: MedGen CN230736.

gnomAD v4.1: 28 of 1,614,244 alleles (0.0017%); highest among the groups gnomAD compares: Non-Finnish European, 0.0024%; no homozygotes.

Submission:

Ambry Genetics
Classification: Uncertain significance for Cardiovascular phenotype. Last evaluated: 2021-02-23. Review status: criteria provided, single submitter. Criteria: Ambry Variant Classification Scheme 2023. Collection method: clinical testing. Allele origin: germline.
Comment: The p.I3277L variant (also known as c.9829A>C), located in coding exon 41 of the AKAP9 gene, results from an A to C substitution at nucleotide position 9829. The isoleucine at codon 3277 is replaced by leucine, an amino acid with highly similar properties. This amino acid position is not well conserved in available vertebrate species. In addition, this alteration is predicted to be tolerated by in silico analysis. Since supporting evidence is limited at this time, the clinical significance of this alteration remains unclear.

NM_005751.5(AKAP9):c.9829A>C (p.Ile3277Leu)

Gene: AKAP9 (A-kinase anchoring protein 9; plus strand). Cytogenetic location: 7q21.2.
Variant type: single nucleotide variant.
Coding change: c.9829A>C on transcript NM_005751.5 (MANE Select); coding-DNA position 9829, A replaced by C.
Protein change: p.Ile3277Leu; replaces isoleucine 3277 with leucine.
Molecular consequence: missense variant.
Genome position (GRCh38, 1-based): chr7:92,096,788, A>C. VCF-style: chr7-92096788-A-C. GRCh37 (hg19) VCF-style: chr7-91726102-A-C.
Other names: c.4474A>C, p.Ile1492Leu (NM_001379277.1); c.9805A>C, p.Ile3269Leu (NM_147185.3); short protein forms I1492L, I3277L, I3269L.
Identifiers: ClinVar variation 1768331 (VCV001768331.2), dbSNP rs1334061465, ClinGen allele CA368151593.